The following is an entry in ClinVar:

ClinVar aggregate classification (germline): Uncertain significance (0 of 4 stars; one submission).

Conditions:
PHACTR1-related disorder. Also called: PHACTR1-related condition.

Allele frequency attached by ClinVar (database versions not stated): gnomAD exomes below 0.00001; TOPMed 0.00001; gnomAD 0.00003.
gnomAD v4.1: 8 of 1,591,648 alleles (0.0005%); highest among the groups gnomAD compares: Non-Finnish European, 0.0006%; no homozygotes.

Submission:

PreventionGenetics, part of Exact Sciences
Classification: Uncertain significance for PHACTR1-related condition. Last evaluated: 2024-02-05. Review status: no assertion criteria provided. Collection method: clinical testing. Allele origin: germline.
Comment: The PHACTR1 c.1661G>A variant is predicted to result in the amino acid substitution p.Arg554Gln. To our knowledge, this variant has not been reported in the literature. This variant is reported in 0.00090% of alleles in individuals of European (Non-Finnish) descent in gnomAD. At this time, the clinical significance of this variant is uncertain due to the absence of conclusive functional and genetic evidence.

NM_030948.6(PHACTR1):c.1451G>A (p.Arg484Gln)

Genes: PHACTR1 (phosphatase and actin regulator 1; plus strand), TBC1D7-LOC100130357 (TBC1D7-LOC100130357 readthrough; minus strand), LOC100130357 (uncharacterized LOC100130357; minus strand), LOC129995804 (ATAC-STARR-seq lymphoblastoid active region 24022; plus strand). Cytogenetic location: 6p24.1.
Variant type: single nucleotide variant.
Coding change: c.1451G>A on transcript NM_030948.6 (MANE Select); coding-DNA position 1451, G replaced by A.
Protein change: p.Arg484Gln; replaces arginine 484 with glutamine.
Molecular consequence: missense variant. On other transcripts: intron variant (1).
Genome position (GRCh38, 1-based): chr6:13,278,271, G>A. VCF-style: chr6-13278271-G-A. GRCh37 (hg19) VCF-style: chr6-13278503-G-A.
Other names: c.1451G>A, p.Arg484Gln (NM_001242648.4, NM_001322308.3, NM_001322309.3 and 1 more transcripts); c.1658G>A, p.Arg553Gln (NM_001322310.2); c.1175G>A, p.Arg392Gln (NM_001322311.2, NM_001322312.3, NM_001374583.2); c.1382G>A, p.Arg461Gln (NM_001322313.2); c.1661G>A, p.Arg554Gln (NM_001322314.4); c.*40-10436C>T (NM_001318809.2); short protein forms R392Q, R461Q, R484Q, R553Q, R554Q.
Identifiers: ClinVar variation 3036608 (VCV003036608.2), dbSNP rs773706973, ClinGen allele CA134792163.
Genomic context (GRCh38, chr6:13,278,271, plus strand): 5'-CACCTGTACACAACACTGTTTACTGAAATAAAAAAACATCTTAAATATTTTTTTTAGCTC[G>A]GAATGAACAAGAGGAACAGGAGGAGAAGAGAGAGATCAAGAGGAGGCTAACCCGAAAGGT-3'
Protein context (NP_112210.1, residues 474-494): ELEQRNILKP[Arg484Gln]NEQEEQEEKR